The following is an entry in ClinVar:

ClinVar aggregate classification (germline): Pathogenic. Review status: criteria provided, multiple submitters, no conflicts (2 of 4 stars). 17 submissions from 16 submitters: Pathogenic (11). 6 of the submissions do not count toward it. Last evaluated 2026-08-13.

Conditions:
PDE6B-related disorder. Also called: PDE6B-related disease; PDE6B-related condition; PDE6B-related disorders.
Congenital stationary night blindness autosomal dominant 2. Also called: NIGHT BLINDNESS, CONGENITAL STATIONARY, RAMBUSCH TYPE. Identifiers: Orphanet 215, MedGen C1876182, MONDO:0008099, OMIM 163500.
Retinitis pigmentosa 40 (RP40). Identifiers: Orphanet 791, MedGen C3151107, MONDO:0013429, OMIM 613801.
Retinitis pigmentosa (RP). Identifiers: Orphanet 791, MedGen C0035334, MeSH D012174, MONDO:0019200, OMIM 268000. Inheritance: Autosomal dominant, autosomal recessive and X linked inheritance.

Allele frequency attached by ClinVar (database versions not stated): TOPMed 0.00003; ExAC 0.00008.

Submissions (18):

PreventionGenetics, part of Exact Sciences
Classification: Pathogenic for PDE6B-related condition. Last evaluated: 2026-08-13. Review status: criteria provided, single submitter. Criteria: ACMG Guidelines, 2015. Collection method: clinical testing. Allele origin: germline.
Comment: The PDE6B c.2193+1G>A variant is predicted to disrupt the GT donor site and interfere with normal splicing. This variant has been reported many times in individuals with retinitis pigmentosa (see for examples: Wang et al. 2014. PubMed ID: 25097241; Table S1, Weisschuh et al. 2020. PubMed ID: 32531858; Table S4, Panneman et al. 2023. PubMed ID: 36819107). This variant is present in 0.015% of alleles in individuals of European (Non-Finnish) descent in gnomAD. Variants that disrupt the consensus splice donor site in PDE6B are an established mechanism of disease. This variant is interpreted as pathogenic for autosomal recessive disease.

GeneDx
Classification: Pathogenic. Last evaluated: 2026-05-15. Review status: criteria provided, single submitter. Criteria: GeneDx Variant Classification Process June 2021. Collection method: clinical testing. Allele origin: germline.
Comment: Canonical splice site variant predicted to result in a null allele in a gene for which loss of function is a known mechanism of disease; This variant is associated with the following publications: (PMID: 7724547, 32531858, 25097241, 25525159, 28224992, 30998820, 31980526, 33302505, 31589614, 32037395, 36284670, 37510321, 31964843, 36819107, 34906470, 38219857, 32581362, 38364953, 37446072)

3billion
Classification: Pathogenic for Retinitis pigmentosa 40. Last evaluated: 2026-01-16. Review status: criteria provided, single submitter. Criteria: ACMG Guidelines, 2015. Collection method: clinical testing. Allele origin: germline. Affected: yes.
Comment: The variant is observed at an extremely low frequency in the gnomAD v4.1.0 dataset (total allele frequency: 0.019%). Predicted Consequence/Location: Canonical splice site: predicted to alter splicing and result in a loss or disruption of normal protein function. Multiple pathogenic loss-of-function variants are reported downstream of the variant. In silico tools predict the variant to alter splicing and produce an abnormal transcript [SpliceAI: 0.97 (spliceogenicity >=0.2, non-spliceogenicity <0.1)]. The variant has been reported at least twice as pathogenic with clinical assertions and evidence for the classification (ClinVar ID: VCV000167440 /PMID: 7724547). Therefore, this variant is classified as Pathogenic according to the recommendation of ACMG/AMP guideline.

Labcorp Genetics (formerly Invitae), Labcorp
Classification: Pathogenic. Last evaluated: 2025-01-06. Review status: criteria provided, single submitter. Criteria: Invitae Variant Classification Sherloc (09022015). Collection method: clinical testing. Allele origin: germline.
Comment: This sequence change affects a donor splice site in intron 18 of the PDE6B gene. It is expected to disrupt RNA splicing. Variants that disrupt the donor or acceptor splice site typically lead to a loss of protein function (PMID: 16199547), and loss-of-function variants in PDE6B are known to be pathogenic (PMID: 8394174, 8595886, 22334370). This variant is present in population databases (rs727504075, gnomAD 0.01%). Disruption of this splice site has been observed in individuals with autosomal recessive retinitis pigmentosa or retinal dystrophy (PMID: 7724547, 25097241, 28041643, 28224992). It has also been observed to segregate with disease in related individuals. This variant is also known as a G>A transition at position 22624. ClinVar contains an entry for this variant (Variation ID: 167440). Algorithms developed to predict the effect of sequence changes on RNA splicing suggest that this variant may disrupt the consensus splice site. For these reasons, this variant has been classified as Pathogenic.

Blueprint Genetics
Classification: Pathogenic for PDE6B-related disorders. Last evaluated: 2024-05-03. Review status: criteria provided, single submitter. Criteria: ACMG Guidelines, 2015. Collection method: clinical testing. Allele origin: germline. Affected: yes. Observed: 5 variant alleles.

Greenwood Genetic Center Diagnostic Laboratories, Greenwood Genetic Center
Classification: Pathogenic for PDE6B-related disorder. Last evaluated: 2023-08-21. Review status: criteria provided, single submitter. Criteria: ACMG Guidelines, 2015. Collection method: clinical testing. Allele origin: germline. Affected: yes.
Comment: PM3_Strong, PP1, PP3_Strong, PM2

Fulgent Genetics
Classification: Pathogenic for Congenital stationary night blindness autosomal dominant 2; Retinitis pigmentosa 40. Last evaluated: 2021-09-07. Review status: criteria provided, single submitter. Criteria: ACMG Guidelines, 2015. Collection method: clinical testing. Allele origin: unknown.

Ocular Genomics Institute, Massachusetts Eye and Ear
Classification: Pathogenic for Retinitis pigmentosa 40. Last evaluated: 2021-04-08. Review status: criteria provided, single submitter. Criteria: ACMG Guidelines, 2015. Collection method: research. Allele origin: germline. Affected: yes.
Comment: Through a review of available evidence we were able to apply the following criteria: PVS1, PM2, PP1, PP3. Based on this evidence we have classified this variant as Pathogenic.

Broad Center for Mendelian Genomics, Broad Institute of MIT and Harvard
Classification: Pathogenic for Retinitis pigmentosa. Last evaluated: 2021-04-01. Review status: criteria provided, single submitter. Criteria: ACMG Guidelines, 2015. Collection method: curation. Allele origin: germline. Inheritance: Autosomal recessive inheritance. Affected: yes.
Comment: Through a review of available evidence we were able to apply the following criteria: PVS1, PM2, PP1, PP3. Based on this evidence we have classified this variant as Pathogenic. If you have any questions about the classification please reach out to the Pierce Lab.

Eurofins Ntd Llc (ga)
Classification: Pathogenic. Last evaluated: 2015-10-08. Review status: criteria provided, single submitter. Criteria: EGL Classification Definitions 2015. Collection method: clinical testing. Allele origin: germline. Observed: 3 variant alleles, 3 heterozygotes.

Laboratory for Molecular Medicine, Mass General Brigham Personalized Medicine
Classification: Pathogenic for Retinitis pigmentosa. Last evaluated: 2015-03-11. Review status: criteria provided, single submitter. Criteria: LMM Criteria. Collection method: clinical testing. Allele origin: germline. Inheritance: Autosomal recessive inheritance. Observed: 1 variant allele.
Comment: The c.2193+1G>A variant in PDE6B has previously been reported in one individual with retinal dystrophy (Wang 2014) and in one individual with retinitis pigmento sa and was found to segregate with disease in an affected sibling (McLaughlin 19 95). All of these individuals were compound heterozygous. This variant has also been identified in 0.01% (9/66178) of European chromosomes by the Exome Aggregat ion Consortium. Although this variant has bee n seen in the general population, its frequency is low enough to be consistent w ith a recessive carrier frequency. This variant occurs in the invariant region ( +/- 1/2) of the splice consensus sequence and is predicted to cause altered spli cing leading to an abnormal or absent protein. Complete loss of PDE6B function i s an established disease mechanism in retinitis pigmentosa. In summary, this var iant meets our criteria to be classified as pathogenic for retinitis pigmentosa in an autosomal recessive manner.

Department of Clinical Genetics, Copenhagen University Hospital, Rigshospitalet
Classification: Pathogenic for Retinitis pigmentosa. Last evaluated: 2018-04-01. Review status: no assertion criteria provided. Collection method: research. Allele origin: unknown. Affected: yes. Study: VeluxRD. Not counted in ClinVar's aggregate classification.

Joint Genome Diagnostic Labs from Nijmegen and Maastricht, Radboudumc and MUMC+
Classification: Pathogenic for Retinitis pigmentosa 40. Last evaluated: 2016-09-01. Review status: no assertion criteria provided. Collection method: clinical testing. Allele origin: unknown. Affected: yes. Observed: 1 variant allele. Not counted in ClinVar's aggregate classification.

NIHR Bioresource Rare Diseases, University of Cambridge
Classification: Pathogenic for Retinitis pigmentosa. Last evaluated: 2015-01-01. Review status: no assertion criteria provided. Collection method: research. Allele origin: unknown. Affected: yes. Observed: 2 variant alleles. Not counted in ClinVar's aggregate classification.

Clinical Genetics DNA and cytogenetics Diagnostics Lab, Erasmus MC, Erasmus Medical Center
Classification: Pathogenic. Review status: no assertion criteria provided. Collection method: clinical testing. Allele origin: germline. Affected: yes. Study: VKGL Data-share Consensus. Not counted in ClinVar's aggregate classification.

Clinical Genetics, Academic Medical Center
Classification: Pathogenic. Review status: no assertion criteria provided. Collection method: clinical testing. Allele origin: germline. Affected: yes. Study: VKGL Data-share Consensus. Not counted in ClinVar's aggregate classification.

Dr. Peter K. Rogan Lab, Western University
No classification provided (evidence only). Condition: Thyroid cancer, nonmedullary, 1. Review status: no classification provided. Collection method: in vitro. Allele origin: not applicable. Functional consequence: retained intron. Not counted in ClinVar's aggregate classification.

Joint Genome Diagnostic Labs from Nijmegen and Maastricht, Radboudumc and MUMC+
Classification: Pathogenic. Review status: no assertion criteria provided. Collection method: clinical testing. Allele origin: germline. Affected: yes. Study: VKGL Data-share Consensus. Not counted in ClinVar's aggregate classification.

Literature cited by the submitters: PubMed 7724547 (cited by 7 submitters); PubMed 16199547 (cited by Labcorp Genetics (formerly Invitae), Labcorp); PubMed 8394174 (cited by Labcorp Genetics (formerly Invitae), Labcorp); PubMed 8595886 (cited by Labcorp Genetics (formerly Invitae), Labcorp); PubMed 22334370 (cited by Labcorp Genetics (formerly Invitae), Labcorp); PubMed 25097241 (cited by 4 submitters); PubMed 28041643 (cited by 4 submitters); PubMed 28224992 (cited by 3 submitters); PubMed 34906470 (cited by Broad Center for Mendelian Genomics, Broad Institute of MIT and Harvard); PubMed 30718709 (cited by Department of Clinical Genetics, Copenhagen University Hospital, Rigshospitalet).

NM_000283.4(PDE6B):c.2193+1G>A

Gene: PDE6B (phosphodiesterase 6B; plus strand). Cytogenetic location: 4p16.3.
Variant type: single nucleotide variant.
Coding change: c.2193+1G>A on transcript NM_000283.4 (MANE Select); the canonical splice donor site of the intron after coding-DNA position 2193, G replaced by A.
Molecular consequence: splice donor variant.
Genome position (GRCh38, 1-based): chr4:664,945, G>A. VCF-style: chr4-664945-G-A. GRCh37 (hg19) VCF-style: chr4-658734-G-A.
Other names: c.2193+1G>A (NM_001145291.2); c.1356+1G>A (NM_001379246.1, NM_001379247.1, NM_001145292.2 and 1 more transcripts); c.1038+1G>A (NM_001350155.3).
Identifiers: ClinVar variation 167440 (VCV000167440.35), dbSNP rs727504075, ClinGen allele CA273358.
Genomic context (GRCh38, chr4:664,945, plus strand): 5'-ATGATGATGACAGCCTGCGACCTGTCTGCCATCACCAAGCCCTGGGAAGTCCAGAGCAAG[G>A]TTAGAACAGAGGGCCCTCCAGACCCAGAGTCAGTGCCTCTCAGCACATGGGACTGCCGGG-3'